The following is an entry in ClinVar:

ClinVar aggregate classification (germline): Uncertain significance. Review status: criteria provided, multiple submitters, no conflicts (2 of 4 stars). 3 submissions from 3 submitters: Uncertain significance (3). Last evaluated 2025-12-04.

Conditions:
Inborn genetic diseases. Identifiers: MedGen C0950123, MeSH D030342.
Transcobalamin II deficiency (TCN2D). Also called: TC II DEFICIENCY; TCN2 DEFICIENCY; Transcolabamin II deficiency. Identifiers: Orphanet 859, MedGen C0342701, MONDO:0010149, OMIM 275350.

gnomAD v4.1: 5 of 1,614,104 alleles (0.00031%); highest among the groups gnomAD compares: South Asian, 0.0022%; no homozygotes.

Submissions (3):

Labcorp Genetics (formerly Invitae), Labcorp
Classification: Uncertain significance for Transcobalamin II deficiency. Last evaluated: 2025-12-04. Review status: criteria provided, single submitter. Criteria: Invitae Variant Classification Sherloc (09022015). Collection method: clinical testing. Allele origin: germline.
Comment: This sequence change replaces tyrosine, which is neutral and polar, with cysteine, which is neutral and slightly polar, at codon 412 of the TCN2 protein (p.Tyr412Cys). This variant is present in population databases (no rsID available, gnomAD 0.006%). This variant has not been reported in the literature in individuals affected with TCN2-related conditions. ClinVar contains an entry for this variant (Variation ID: 626030). Invitae Evidence Modeling of protein sequence and biophysical properties (such as structural, functional, and spatial information, amino acid conservation, physicochemical variation, residue mobility, and thermodynamic stability) indicates that this missense variant is expected to disrupt TCN2 protein function with a positive predictive value of 80%. In summary, the available evidence is currently insufficient to determine the role of this variant in disease. Therefore, it has been classified as a Variant of Uncertain Significance.

Ambry Genetics
Classification: Uncertain significance for Inborn genetic diseases. Last evaluated: 2025-01-26. Review status: criteria provided, single submitter. Criteria: Ambry Variant Classification Scheme 2023. Collection method: clinical testing. Allele origin: germline.

Center for Genomics, Ann and Robert H. Lurie Children's Hospital of Chicago
Classification: Uncertain significance for Transcobalamin II deficiency. Last evaluated: 2021-03-30. Review status: criteria provided, single submitter. Criteria: ACMG Guidelines, 2015. Collection method: clinical testing. Allele origin: germline.
Comment: TCN2 NM_000355.3 exon 9 p.Tyr412Cys (c.1235A>G): This variant has not been reported in the literature but is present in 0.006% (2/30614) of South Asian alleles in the Genome Aggregation Database. Evolutionary conservation and computational predictive tools suggest that this variant may impact the protein. In summary, data on this variant is insufficient for disease classification. Therefore, the clinical significance of this variant is uncertain.

NM_000355.4(TCN2):c.1235A>G (p.Tyr412Cys)

Gene: TCN2 (transcobalamin 2; plus strand). Cytogenetic location: 22q12.2.
Variant type: single nucleotide variant.
Coding change: c.1235A>G on transcript NM_000355.4 (MANE Select); coding-DNA position 1235, A replaced by G.
Protein change: p.Tyr412Cys; replaces tyrosine 412 with cysteine.
Molecular consequence: missense variant.
Genome position (GRCh38, 1-based): chr22:30,626,472, A>G. VCF-style: chr22-30626472-A-G. GRCh37 (hg19) VCF-style: chr22-31022459-A-G.
Other names: c.1154A>G, p.Tyr385Cys (NM_001184726.2); c.1235A>G (NM_000355.3); short protein forms Y412C, Y385C.
Identifiers: ClinVar variation 626030 (VCV000626030.5), dbSNP rs745363222, ClinGen allele CA411204114.
Genomic context (GRCh38, chr22:30,626,472, plus strand): 5'-GCGATATTCTGCCCAATTCGCCCCTCCTTGCTCAATCTGTTTCTGCAGGTATTGCTGACT[A>G]CAGACCCAAGGATGGAGAAACCATTGAGCTGAGGCTGGTTAGCTGGTAGCCCCTGAGCTC-3'
Protein context (NP_000346.2, residues 402-422): NTPLLQGIAD[Tyr412Cys]RPKDGETIEL